The following is an entry in ClinVar:

ClinVar aggregate classification (germline): Uncertain significance (1 of 4 stars; one submission).

Submission:

Ambry Genetics
Classification: Uncertain significance. Last evaluated: 2025-11-26. Review status: criteria provided, single submitter. Criteria: Ambry Variant Classification Scheme 2023. Collection method: clinical testing. Allele origin: germline.
Comment: The p.V415I variant (also known as c.1243G>A), located in coding exon 9 of the RINT1 gene, results from a G to A substitution at nucleotide position 1243. The valine at codon 415 is replaced by isoleucine, an amino acid with highly similar properties. This amino acid position is conserved. In addition, this alteration is predicted to be tolerated by in silico analysis. Based on the available evidence, the clinical significance of this variant remains unclear.

NM_021930.6(RINT1):c.1243G>A (p.Val415Ile)

Gene: RINT1 (RAD50 interactor 1; plus strand). Cytogenetic location: 7q22.3.
Variant type: single nucleotide variant.
Coding change: c.1243G>A on transcript NM_021930.6 (MANE Select); coding-DNA position 1243, G replaced by A.
Protein change: p.Val415Ile; replaces valine 415 with isoleucine.
Molecular consequence: missense variant. On other transcripts: non-coding transcript variant (1).
Genome position (GRCh38, 1-based): chr7:105,550,396, G>A. VCF-style: chr7-105550396-G-A. GRCh37 (hg19) VCF-style: chr7-105190843-G-A.
Other names: c.1009G>A, p.Val337Ile (NM_001346599.2); c.220G>A, p.Val74Ile (NM_001346600.2, NM_001346603.2); c.319G>A, p.Val107Ile (NM_001346601.2); short protein forms V415I, V107I, V337I, V74I.
Identifiers: ClinVar variation 4578229 (VCV004578229.1).